The following is an entry in ClinVar:

NM_002582.4(PARN):c.1058C>T (p.Thr353Ile)

Gene: PARN (poly(A)-specific ribonuclease; minus strand). Cytogenetic location: 16p13.12.
Variant type: single nucleotide variant.
Coding change: c.1058C>T on transcript NM_002582.4 (MANE Select); coding-DNA position 1058, C replaced by T.
Protein change: p.Thr353Ile; replaces threonine 353 with isoleucine.
Molecular consequence: missense variant.
Genome position (GRCh38, 1-based): chr16:14,584,370, G>A on the plus strand (C>T on the coding strand, the complement: PARN is on the minus strand). VCF-style: chr16-14584370-G-A. GRCh37 (hg19) VCF-style: chr16-14678227-G-A.
Other names: c.875C>T, p.Thr292Ile (NM_001134477.3); c.920C>T, p.Thr307Ile (NM_001242992.2); short protein forms T292I, T307I, T353I.
Identifiers: ClinVar variation 4992734 (VCV004992734.1).
Genomic context (GRCh38, chr16:14,584,370, plus strand): 5'-CAAAGAGTTTGGAGGGTTTCCGGTTTAATATTCTTACCAACTTTAGGAGGGTTGAAAGGT[G>A]TCTCTTTTAACCGCTTTTCCAATTCCGCAAGGGATGTGTTGTTAATGATATCCTGCAAAC-3'
Protein context (NP_002573.1, residues 343-363): LAELEKRLKE[Thr353Ile]PFNPPKVESA

ClinVar aggregate classification (germline): Uncertain significance (1 of 4 stars; one submission).

Conditions:
PARN-related disorder. Also called: PARN-related condition; PARN-related disorders.

Submission:

PreventionGenetics, part of Exact Sciences
Classification: Uncertain significance for PARN-related condition. Last evaluated: 2026-07-16. Review status: criteria provided, single submitter. Criteria: ACMG Guidelines, 2015. Collection method: clinical testing. Allele origin: germline.
Comment: The PARN c.1058C>T variant is predicted to result in the amino acid substitution p.Thr353Ile. To our knowledge, this variant has not been reported in the literature or in a large population database (gnomAD), indicating this variant is rare. At this time, the clinical significance of this variant is uncertain due to the absence of conclusive functional and genetic evidence.